The following is an entry in ClinVar:

NM_000245.4(MET):c.2730+285G>A

Gene: MET (MET proto-oncogene, receptor tyrosine kinase; plus strand). Cytogenetic location: 7q31.2.
Variant type: single nucleotide variant.
Coding change: c.2730+285G>A on transcript NM_000245.4 (MANE Select); 285 bases into the intron after coding-DNA position 2730, G replaced by A.
Molecular consequence: intron variant.
Genome position (GRCh38, 1-based): chr7:116,770,076, G>A. VCF-style: chr7-116770076-G-A. GRCh37 (hg19) VCF-style: chr7-116410130-G-A.
Other names: c.2784+285G>A (NM_001127500.3); c.1440+285G>A (NM_001324402.2).
Identifiers: ClinVar variation 1216298 (VCV001216298.32), dbSNP rs116921956, ClinGen allele CA164903738.

ClinVar aggregate classification (germline): Benign/Likely benign. Review status: criteria provided, multiple submitters, no conflicts (2 of 4 stars). 3 submissions from 3 submitters: Benign (1); Likely benign (2). Last evaluated 2026-08-01.

Allele frequency attached by ClinVar (database versions not stated): 1000 Genomes Project 0.00399; 1000 Genomes Project 30x 0.00422; TOPMed 0.00787; gnomAD 0.00789 and 0.00794.
gnomAD v4.1: 1,196 of 152,286 alleles (0.79%); highest among the groups gnomAD compares: Non-Finnish European, 1.3%; 11 homozygotes.

Submissions (3):

CeGaT Center for Human Genetics Tuebingen
Classification: Benign. Last evaluated: 2026-08-01. Review status: criteria provided, single submitter. Criteria: CeGaT Center For Human Genetics Tuebingen Variant Classification Criteria Version 2. Collection method: clinical testing. Allele origin: germline. Affected: yes. Observed: 81 variant alleles.
Comment: MET: BS1, BS2

GeneDx
Classification: Likely benign. Last evaluated: 2019-04-10. Review status: criteria provided, single submitter. Criteria: GeneDx Variant Classification Process June 2021. Collection method: clinical testing. Allele origin: germline. Affected: yes.

Breakthrough Genomics
Classification: Likely benign. Review status: criteria provided, single submitter. Criteria: ACMG Guidelines, 2015. Collection method: not provided. Allele origin: germline. Inheritance: Autosomal recessive inheritance. Affected: yes.